The following is an entry in ClinVar:

NM_012469.4(PRPF6):c.1185A>G (p.Lys395=)

Gene: PRPF6 (pre-mRNA processing factor 6; plus strand). Cytogenetic location: 20q13.33.
Variant type: single nucleotide variant.
Coding change: c.1185A>G on transcript NM_012469.4 (MANE Select); coding-DNA position 1185, A replaced by G.
Protein change: p.Lys395=; no amino-acid change (lysine 395 retained).
Molecular consequence: synonymous variant.
Genome position (GRCh38, 1-based): chr20:64,001,238, A>G. VCF-style: chr20-64001238-A-G. GRCh37 (hg19) VCF-style: chr20-62632591-A-G.
Identifiers: ClinVar variation 1950236 (VCV001950236.5), dbSNP rs748394604, ClinGen allele CA9972104.
Genomic context (GRCh38, chr20:64,001,238, plus strand): 5'-TTACATCAGAGCCGCAGAGCTGGAAACGGACATTCGTGCAAAGAAGCGGGTTCTTCGGAA[A>G]GGTGAGCCTCCCTCGGAGGTGCTGCTTTCTCCCTCCTTGGGGCCCCTCCTCTCAGCAGCT-3'
Protein context (NP_036601.2, residues 385-405): DIRAKKRVLR[Lys395=]ALEHVPNSVR

ClinVar aggregate classification (germline): Uncertain significance (1 of 4 stars; one submission).

Allele frequency attached by ClinVar (database versions not stated): gnomAD 0.00001; gnomAD exomes 0.00001; ExAC 0.00002; TOPMed 0.00002.
gnomAD v4.1: 9 of 1,614,132 alleles (0.00056%); highest among the groups gnomAD compares: Admixed American, 0.013%; no homozygotes.

Submission:

Labcorp Genetics (formerly Invitae), Labcorp
Classification: Uncertain significance. Last evaluated: 2025-09-09. Review status: criteria provided, single submitter. Criteria: Invitae Variant Classification Sherloc (09022015). Collection method: clinical testing. Allele origin: germline.
Comment: This sequence change affects codon 395 of the PRPF6 mRNA. It is a 'silent' change, meaning that it does not change the encoded amino acid sequence of the PRPF6 protein. It affects a nucleotide within the consensus splice site. This variant is present in population databases (rs748394604, gnomAD 0.02%). This variant has not been reported in the literature in individuals affected with PRPF6-related conditions. ClinVar contains an entry for this variant (Variation ID: 1950236). Algorithms developed to predict the effect of sequence changes on RNA splicing suggest that this variant is not likely to affect RNA splicing. In summary, the available evidence is currently insufficient to determine the role of this variant in disease. Therefore, it has been classified as a Variant of Uncertain Significance.